The following is an entry in ClinVar:

ClinVar aggregate classification (germline): Uncertain significance (1 of 4 stars; one submission).

Conditions:
Familial hemiplegic migraine. Identifiers: MedGen C0338484, MONDO:0000700.

gnomAD v4.1: 1 of 1,614,174 alleles (0.000062%); highest among the groups gnomAD compares: Non-Finnish European, 0.000085%; no homozygotes.

Submission:

Labcorp Genetics (formerly Invitae), Labcorp
Classification: Uncertain significance for Familial hemiplegic migraine. Last evaluated: 2025-12-27. Review status: criteria provided, single submitter. Criteria: Invitae Variant Classification Sherloc (09022015). Collection method: clinical testing. Allele origin: germline.
Comment: This sequence change replaces aspartic acid, which is acidic and polar, with asparagine, which is neutral and polar, at codon 470 of the ATP1A2 protein (p.Asp470Asn). This variant is not present in population databases (gnomAD no frequency). This variant has not been reported in the literature in individuals affected with ATP1A2-related conditions. Invitae Evidence Modeling of protein sequence and biophysical properties (such as structural, functional, and spatial information, amino acid conservation, physicochemical variation, residue mobility, and thermodynamic stability) indicates that this missense variant is not expected to disrupt ATP1A2 protein function with a negative predictive value of 80%. In summary, the available evidence is currently insufficient to determine the role of this variant in disease. Therefore, it has been classified as a Variant of Uncertain Significance.

NM_000702.4(ATP1A2):c.1408G>A (p.Asp470Asn)

Gene: ATP1A2 (ATPase Na+/K+ transporting subunit alpha 2; plus strand). Cytogenetic location: 1q23.2.
Variant type: single nucleotide variant.
Coding change: c.1408G>A on transcript NM_000702.4 (MANE Select); coding-DNA position 1408, G replaced by A.
Protein change: p.Asp470Asn; replaces aspartic acid 470 with asparagine.
Molecular consequence: missense variant.
Genome position (GRCh38, 1-based): chr1:160,129,347, G>A. VCF-style: chr1-160129347-G-A. GRCh37 (hg19) VCF-style: chr1-160099137-G-A.
Other names: short protein forms D470N.
Identifiers: ClinVar variation 4736696 (VCV004736696.1).